The following is an entry in ClinVar:

ClinVar aggregate classification (germline): Likely benign (0 of 4 stars; one submission).

Conditions:
USP26-related disorder. Also called: USP26-related condition.

Allele frequency attached by ClinVar (database versions not stated): gnomAD 0.00004; gnomAD exomes 0.00009; 1000 Genomes Project 30x 0.00021; 1000 Genomes Project 0.00026; ExAC 0.00032.
gnomAD v4.1: 106 of 1,208,050 alleles (0.0088%); highest among the groups gnomAD compares: South Asian, 0.17%; no homozygotes.

Submission:

PreventionGenetics, part of Exact Sciences
Classification: Likely benign for USP26-related condition. Last evaluated: 2022-05-10. Review status: no assertion criteria provided. Collection method: clinical testing. Allele origin: germline.
Comment: This variant is classified as likely benign based on ACMG/AMP sequence variant interpretation guidelines (Richards et al. 2015 PMID: 25741868, with internal and published modifications).

NM_031907.3(USP26):c.2009A>G (p.His670Arg)

Gene: USP26 (ubiquitin specific peptidase 26; minus strand). Cytogenetic location: Xq26.2.
Variant type: single nucleotide variant.
Coding change: c.2009A>G on transcript NM_031907.3 (MANE Select); coding-DNA position 2009, A replaced by G.
Protein change: p.His670Arg; replaces histidine 670 with arginine.
Molecular consequence: missense variant.
Genome position (GRCh38, 1-based): chrX:133,026,212, T>C on the plus strand (A>G on the coding strand, the complement: USP26 is on the minus strand). VCF-style: chrX-133026212-T-C. GRCh37 (hg19) VCF-style: chrX-132160240-T-C.
Other names: short protein forms H670R.
Identifiers: ClinVar variation 3047079 (VCV003047079.2), dbSNP rs747734964, ClinGen allele CA10519826.
Genomic context (GRCh38, chrX:133,026,212, plus strand): 5'-TGAAAGTCAACTTTTGAGAGAGGTGTGCCTGGGCTGCTGGCAGGTTTACCTCCAGCTTTG[T>C]GGAACTGACAAAGTGAGGTATCTTCCAGATACGTCATTAAGTGAGCTAACGGTTCTTTTT-3'
Protein context (NP_114113.1, residues 660-680): YLEDTSLCQF[His670Arg]KAGGKPASSP